The following is an entry in ClinVar:

ClinVar aggregate classification (germline): Uncertain significance (1 of 4 stars; one submission).

Allele frequency attached by ClinVar (database versions not stated): ExAC 0.00007; gnomAD exomes 0.00001; TOPMed 0.00002; gnomAD 0.00001.

Submission:

Women's Health and Genetics/Laboratory Corporation of America, LabCorp
Classification: Uncertain significance. Last evaluated: 2022-10-24. Review status: criteria provided, single submitter. Criteria: LabCorp Variant Classification Summary - May 2015. Collection method: clinical testing. Allele origin: germline.
Comment: Variant summary: SEPT9 (also known as SEPTIN9) c.-38771delT (NM_006640) is located in the upstream of the gene. In an alternative isoform (NM_001113491), this variant is named c.19+2delT and located at a splicing site, which may affect splicing. The variant allele was found at a frequency of 6.9e-06 in 144630 control chromosomes. To our knowledge, no occurrence of c.-38771delT in individuals affected with Amyotrophic Neuralgia and no experimental evidence demonstrating its impact on protein function have been reported. No clinical diagnostic laboratories have submitted clinical-significance assessments for this variant to ClinVar after 2014. Based on the evidence outlined above, the variant was classified as VUS.

NM_001113491.2(SEPTIN9):c.19+2del

Genes: SEPTIN9 (septin 9; plus strand), SEPTIN9-DT (SEPTIN9 divergent transcript; minus strand). Cytogenetic location: 17q25.3.
Variant type: Deletion.
Coding change: c.19+2del on transcript NM_001113491.2 (MANE Select); the canonical splice donor site of the intron after coding-DNA position 19, one base deleted (T; older notation c.19+2delT).
Molecular consequence: splice donor variant.
Genome position (GRCh38, 1-based): chr17:77,281,556, T deleted. VCF-style (leftmost placement, unchanged base first): chr17-77281555-GT-G. GRCh37 (hg19) VCF-style: chr17-75277637-GT-G.
Other names: c.19+2del (NM_001293695.2).
Identifiers: ClinVar variation 1723379 (VCV001723379.1), dbSNP rs749692347, ClinGen allele CA8792990.